The following is an entry in ClinVar:

NM_004958.4(MTOR):c.944C>A (p.Pro315His)

Gene: MTOR (mechanistic target of rapamycin kinase; minus strand). Cytogenetic location: 1p36.22.
Variant type: single nucleotide variant.
Coding change: c.944C>A on transcript NM_004958.4 (MANE Select); coding-DNA position 944, C replaced by A.
Protein change: p.Pro315His; replaces proline 315 with histidine.
Molecular consequence: missense variant. On other transcripts: 5 prime UTR variant (1).
Genome position (GRCh38, 1-based): chr1:11,247,991, G>T on the plus strand (C>A on the coding strand, the complement: MTOR is on the minus strand). VCF-style: chr1-11247991-G-T. GRCh37 (hg19) VCF-style: chr1-11308048-G-T.
Other names: c.944C>A, p.Pro315His (NM_001386500.1); c.-196C>A (NM_001386501.1); short protein forms P315H.
Identifiers: ClinVar variation 4988541 (VCV004988541.1).

ClinVar aggregate classification (germline): Uncertain significance (1 of 4 stars; one submission).

Conditions:
MTOR-related disorder. Also called: MTOR-related condition.

gnomAD v4.1: 4 of 1,614,162 alleles (0.00025%); highest among the groups gnomAD compares: Non-Finnish European, 0.00034%; no homozygotes.

Submission:

PreventionGenetics, part of Exact Sciences
Classification: Uncertain significance for MTOR-related condition. Last evaluated: 2025-02-18. Review status: criteria provided, single submitter. Criteria: ACMG Guidelines, 2015. Collection method: clinical testing. Allele origin: germline.
Comment: The MTOR c.944C>A variant is predicted to result in the amino acid substitution p.Pro315His. To our knowledge, this variant has not been reported in the literature. This variant is reported in 0.0018% of alleles in individuals of European (Non-Finnish) descent in gnomAD. At this time, the clinical significance of this variant is uncertain due to the absence of conclusive functional and genetic evidence.